The following is an entry in ClinVar:

ClinVar aggregate classification (germline): Benign (1 of 4 stars; one submission).

Conditions:
Familial cancer of breast. Also called: BREAST CANCER, FAMILIAL; Hereditary breast cancer; hereditary breast carcinoma. Identifiers: Orphanet 227535, MedGen C0346153, MONDO:0016419, OMIM 114480. Disease mechanism: loss of function.

Submission:

Myriad Genetics, Inc.
Classification: Benign for Familial cancer of breast. Last evaluated: 2024-05-24. Review status: criteria provided, single submitter. Criteria: Myriad Autosomal Dominant, Autosomal Recessive and X-Linked Classification Criteria (2023). Collection method: clinical testing. Allele origin: unknown.
Comment: This variant is considered benign. This variant is a silent/synonymous amino acid change and it is not expected to impact splicing.

NM_000051.4(ATM):c.5679A>G (p.Ser1893=)

Gene: ATM (ATM serine/threonine kinase; plus strand). Cytogenetic location: 11q22.3.
Variant type: single nucleotide variant.
Coding change: c.5679A>G on transcript NM_000051.4 (MANE Select); coding-DNA position 5679, A replaced by G.
Protein change: p.Ser1893=; no amino-acid change (serine 1893 retained).
Molecular consequence: synonymous variant.
Genome position (GRCh38, 1-based): chr11:108,307,901, A>G. VCF-style: chr11-108307901-A-G. GRCh37 (hg19) VCF-style: chr11-108178628-A-G.
Other names: c.5679A>G, p.Ser1893= (NM_001351834.2).
Identifiers: ClinVar variation 3253861 (VCV003253861.1), dbSNP rs2547005061.